The following is an entry in ClinVar:

ClinVar aggregate classification (germline): Likely benign (1 of 4 stars; one submission).

Conditions:
Familial hypercholesterolemia. Also called: Familial hypercholesterolaemia. Identifiers: MedGen C0020445, MONDO:0005439.

gnomAD v4.1: 20 of 1,614,262 alleles (0.0012%); highest among the groups gnomAD compares: Non-Finnish European, 0.0015%; no homozygotes.

Submission:

GENinCode PLC
Classification: Likely benign for Familial hypercholesterolemia. Last evaluated: 2024-09-30. Review status: criteria provided, single submitter. Criteria: ACMG Guidelines, 2015. Collection method: clinical testing. Allele origin: germline.
Comment: This is a synonymous (silent) variant that is not predicted by SpliceAI to impact splicing. In addition, it occurs at a nucleotide that is not conserved. Therefore this variant has been classified as Likely Benign (BP4, BP7).

NM_000384.3(APOB):c.633G>A (p.Gln211=)

Gene: APOB (apolipoprotein B; minus strand). Cytogenetic location: 2p24.1.
Variant type: single nucleotide variant.
Coding change: c.633G>A on transcript NM_000384.3 (MANE Select); coding-DNA position 633, G replaced by A.
Protein change: p.Gln211=; no amino-acid change (glutamine 211 retained).
Molecular consequence: synonymous variant.
Genome position (GRCh38, 1-based): chr2:21,037,160, C>T on the plus strand (G>A on the coding strand, the complement: APOB is on the minus strand). VCF-style: chr2-21037160-C-T. GRCh37 (hg19) VCF-style: chr2-21260032-C-T.
Identifiers: ClinVar variation 3392992 (VCV003392992.1).